The following is an entry in ClinVar:

NM_000051.4(ATM):c.5559T>A (p.Asp1853Glu)

Gene: ATM (ATM serine/threonine kinase; plus strand). Cytogenetic location: 11q22.3.
Variant type: single nucleotide variant.
Coding change: c.5559T>A on transcript NM_000051.4 (MANE Select); coding-DNA position 5559, T replaced by A.
Protein change: p.Asp1853Glu; replaces aspartic acid 1853 with glutamic acid.
Molecular consequence: missense variant.
Genome position (GRCh38, 1-based): chr11:108,304,737, T>A. VCF-style: chr11-108304737-T-A. GRCh37 (hg19) VCF-style: chr11-108175464-T-A.
Other names: c.5559T>A, p.Asp1853Glu (NM_001351834.2); short protein forms D1853E.
Identifiers: ClinVar variation 2774687 (VCV002774687.2), dbSNP rs1555107393, ClinGen allele CA382546024.

ClinVar aggregate classification (germline): Uncertain significance (1 of 4 stars; one submission).

Conditions:
Hereditary cancer-predisposing syndrome. Also called: Neoplastic Syndromes, Hereditary; Tumor predisposition; Hereditary Cancer Syndrome; Hereditary neoplastic syndrome. Identifiers: Orphanet 140162, MedGen C0027672, MeSH D009386, MONDO:0015356.

Submission:

Color Diagnostics, LLC DBA Color Health
Classification: Uncertain significance for Hereditary cancer-predisposing syndrome. Last evaluated: 2024-03-07. Review status: criteria provided, single submitter. Criteria: ACMG Guidelines, 2015. Collection method: clinical testing. Allele origin: germline.
Comment: This missense variant replaces aspartic acid with glutamic acid at codon 1853 of the ATM protein. Computational prediction suggests that this variant may not impact protein structure and function (internally defined REVEL score threshold <= 0.5, PMID: 27666373). To our knowledge, functional studies have not been reported for this variant. This variant has not been reported in individuals affected with hereditary cancer in the literature. This variant has not been identified in the general population by the Genome Aggregation Database (gnomAD). The available evidence is insufficient to determine the role of this variant in disease conclusively. Therefore, this variant is classified as a Variant of Uncertain Significance.